The following is an entry in ClinVar:

NM_001374828.1(ARID1B):c.3887A>T (p.Lys1296Ile)

Gene: ARID1B (AT-rich interaction domain 1B; plus strand). Cytogenetic location: 6q25.3.
Variant type: single nucleotide variant.
Coding change: c.3887A>T on transcript NM_001374828.1 (MANE Select); coding-DNA position 3887, A replaced by T.
Protein change: p.Lys1296Ile; replaces lysine 1296 with isoleucine.
Molecular consequence: missense variant.
Genome position (GRCh38, 1-based): chr6:157,184,403, A>T. VCF-style: chr6-157184403-A-T. GRCh37 (hg19) VCF-style: chr6-157505537-A-T.
Other names: c.3638A>T, p.Lys1213Ile (NM_001346813.1); c.1388A>T, p.Lys463Ile (NM_001363725.2); c.3767A>T, p.Lys1256Ile (NM_001371656.1, NM_001374820.1); c.3728A>T, p.Lys1243Ile (NM_017519.3); c.3518A>T, p.Lys1173Ile (NM_020732.3); c.3305A>T, p.Lys1102Ile (NM_175863.2); short protein forms K1102I, K1173I, K1213I, K1243I, K1256I, K1296I, K463I.
Identifiers: ClinVar variation 2429716 (VCV002429716.1), dbSNP rs1348058133, ClinGen allele CA366230743.

ClinVar aggregate classification (germline): Uncertain significance (1 of 4 stars; one submission).

Allele frequency attached by ClinVar (database versions not stated): gnomAD 0.00001; TOPMed 0.00001.
gnomAD v4.1: 1 of 1,613,990 alleles (0.000062%); highest among the groups gnomAD compares: African/African-American, 0.0013%; no homozygotes.

Submission:

GeneDx
Classification: Uncertain significance. Last evaluated: 2022-08-11. Review status: criteria provided, single submitter. Criteria: GeneDx Variant Classification Process June 2021. Collection method: clinical testing. Allele origin: germline. Affected: yes.
Comment: Not observed at significant frequency in large population cohorts (gnomAD); In silico analysis supports that this missense variant has a deleterious effect on protein structure/function; Has not been previously published as pathogenic or benign to our knowledge